The following is an entry in ClinVar:

NM_001105206.3(LAMA4):c.2940A>C (p.Thr980=)

Gene: LAMA4 (laminin subunit alpha 4; minus strand). Cytogenetic location: 6q21.
Variant type: single nucleotide variant.
Coding change: c.2940A>C on transcript NM_001105206.3 (MANE Select); coding-DNA position 2940, A replaced by C.
Protein change: p.Thr980=; no amino-acid change (threonine 980 retained).
Molecular consequence: synonymous variant.
Genome position (GRCh38, 1-based): chr6:112,140,796, T>G on the plus strand (A>C on the coding strand, the complement: LAMA4 is on the minus strand). VCF-style: chr6-112140796-T-G. GRCh37 (hg19) VCF-style: chr6-112461998-T-G.
Other names: c.2919A>C, p.Thr973= (NM_001105207.3, NM_002290.5).
Identifiers: ClinVar variation 44369 (VCV000044369.16), dbSNP rs397516727, ClinGen allele CA134030.

ClinVar aggregate classification (germline): Likely benign. Review status: criteria provided, multiple submitters, no conflicts (2 of 4 stars). 4 submissions from 4 submitters: Likely benign (4). Last evaluated 2025-08-05.

Conditions:
Cardiovascular phenotype. Identifiers: MedGen CN230736.
Dilated cardiomyopathy 1JJ (CMD1JJ). Identifiers: Orphanet 154, MedGen C3808935, MONDO:0014095, OMIM 615235.

Allele frequency attached by ClinVar (database versions not stated): TOPMed 0.00007; gnomAD exomes 0.00016 and 0.00021; ExAC 0.00020; gnomAD 0.00006.
gnomAD v4.1: 242 of 1,613,924 alleles (0.015%); highest among the groups gnomAD compares: Admixed American, 0.045%; no homozygotes.

Submissions (4):

Labcorp Genetics (formerly Invitae), Labcorp
Classification: Likely benign for Dilated cardiomyopathy 1JJ. Last evaluated: 2025-08-05. Review status: criteria provided, single submitter. Criteria: Invitae Variant Classification Sherloc (09022015). Collection method: clinical testing. Allele origin: germline.

Ambry Genetics
Classification: Likely benign for Cardiovascular phenotype. Last evaluated: 2022-11-07. Review status: criteria provided, single submitter. Criteria: Ambry Variant Classification Scheme 2023. Collection method: clinical testing. Allele origin: germline.

GeneDx
Classification: Likely benign. Last evaluated: 2018-01-29. Review status: criteria provided, single submitter. Criteria: GeneDx Variant Classification (06012015). Collection method: clinical testing. Allele origin: germline. Affected: yes.
Comment: This variant is considered likely benign or benign based on one or more of the following criteria: it is a conservative change, it occurs at a poorly conserved position in the protein, it is predicted to be benign by multiple in silico algorithms, and/or has population frequency not consistent with disease.

Laboratory for Molecular Medicine, Mass General Brigham Personalized Medicine
Classification: Likely benign. Last evaluated: 2012-03-21. Review status: criteria provided, single submitter. Criteria: LMM Criteria. Collection method: clinical testing. Allele origin: germline. Observed: 1 variant allele.
Comment: Thr973Thr in exon 22 of LAMA4: This variant is not expected to have clinical sig nificance because it does not alter an amino acid residue and it is not located within the splice consensus sequence. Thr973Thr in exon 22 of LAMA4 (allele f requency = n/a)